The following is an entry in ClinVar:

NM_002392.6(MDM2):c.1304G>A (p.Ser435Asn)

Gene: MDM2 (MDM2 proto-oncogene; plus strand). Cytogenetic location: 12q15.
Variant type: single nucleotide variant.
Coding change: c.1304G>A on transcript NM_002392.6 (MANE Select); coding-DNA position 1304, G replaced by A.
Protein change: p.Ser435Asn; replaces serine 435 with asparagine.
Molecular consequence: missense variant.
Genome position (GRCh38, 1-based): chr12:68,839,659, G>A. VCF-style: chr12-68839659-G-A. GRCh37 (hg19) VCF-style: chr12-69233439-G-A.
Other names: c.1145G>A, p.Ser382Asn (NM_001145337.3); c.1139G>A, p.Ser380Asn (NM_001145339.2); c.698G>A, p.Ser233Asn (NM_001145340.3); c.776G>A, p.Ser259Asn (NM_001278462.2); c.1286G>A, p.Ser429Asn (NM_001367990.1); short protein forms S259N, S380N, S382N, S429N, S435N, S233N.
Identifiers: ClinVar variation 2055577 (VCV002055577.4), dbSNP rs775699841, ClinGen allele CA6678890.
Genomic context (GRCh38, chr12:68,839,659, plus strand): 5'-AAGATGTGAAAGAGTTTGAAAGGGAAGAAACCCAAGACAAAGAAGAGAGTGTGGAATCTA[G>A]TTTGCCCCTTAATGCCATTGAACCTTGTGTGATTTGTCAAGGTCGACCTAAAAATGGTTG-3'
Protein context (NP_002383.2, residues 425-445): TQDKEESVES[Ser435Asn]LPLNAIEPCV

ClinVar aggregate classification (germline): Uncertain significance (1 of 4 stars; one submission).

Conditions:
Accelerated tumor formation, susceptibility to (ACTFS). Identifiers: MedGen C3280690, OMIM 614401, MONDO:0013733.

Allele frequency attached by ClinVar (database versions not stated): ExAC 0.00001; TOPMed 0.00001.
gnomAD v4.1: 1 of 1,613,776 alleles (0.000062%); highest among the groups gnomAD compares: Admixed American, 0.0017%; no homozygotes.

Submission:

Labcorp Genetics (formerly Invitae), Labcorp
Classification: Uncertain significance for Accelerated tumor formation, susceptibility to. Last evaluated: 2022-05-04. Review status: criteria provided, single submitter. Criteria: Invitae Variant Classification Sherloc (09022015). Collection method: clinical testing. Allele origin: germline.
Comment: In summary, the available evidence is currently insufficient to determine the role of this variant in disease. Therefore, it has been classified as a Variant of Uncertain Significance. Algorithms developed to predict the effect of missense changes on protein structure and function output the following: SIFT: "Tolerated"; PolyPhen-2: "Probably Damaging"; Align-GVGD: "Class C0". The asparagine amino acid residue is found in multiple mammalian species, which suggests that this missense change does not adversely affect protein function. This variant has not been reported in the literature in individuals affected with MDM2-related conditions. This variant is present in population databases (rs775699841, gnomAD 0.003%). This sequence change replaces serine, which is neutral and polar, with asparagine, which is neutral and polar, at codon 435 of the MDM2 protein (p.Ser435Asn).